The following is an entry in ClinVar:

ClinVar aggregate classification (germline): Pathogenic. Review status: reviewed by expert panel (3 of 4 stars). 8 submissions from 8 submitters: Pathogenic (1). 7 of the submissions do not count toward it. Last evaluated 2017-12-15.

Conditions:
Hereditary cancer-predisposing syndrome. Also called: Tumor predisposition; Hereditary Cancer Syndrome; Hereditary neoplastic syndrome; Neoplastic Syndromes, Hereditary. Identifiers: Orphanet 140162, MedGen C0027672, MeSH D009386, MONDO:0015356.
Breast-ovarian cancer, familial, susceptibility to, 2 (BROVCA2). Also called: BRCA2 Hereditary Breast and Ovarian Cancer. Identifiers: Orphanet 145, MedGen C2675520, MONDO:0012933, OMIM 612555. Disease mechanism: loss of function.
Familial cancer of breast. Also called: hereditary breast carcinoma; BREAST CANCER, FAMILIAL; Hereditary breast cancer. Identifiers: Orphanet 227535, MedGen C0346153, MONDO:0016419, OMIM 114480. Disease mechanism: loss of function.
Hereditary breast ovarian cancer syndrome. Also called: Hereditary breast and ovarian cancer syndrome (HBOC); Breast and ovarian cancer; Hereditary breast and ovarian cancer; Hereditary breast and ovarian cancer syndrome; BRCA1- and BRCA2-Associated Hereditary Breast and Ovarian Cancer; Hereditary breast and/or ovarian cancer syndrome. Identifiers: Orphanet 145, MedGen C0677776, MeSH D061325, MONDO:0003582. Disease mechanism: loss of function.

Submissions (8):

Evidence-based Network for the Interpretation of Germline Mutant Alleles (ENIGMA)
Classification: Pathogenic for Breast-ovarian cancer, familial, susceptibility to, 2. Last evaluated: 2017-12-15. Review status: reviewed by expert panel. Criteria: ENIGMA BRCA1/2 Classification Criteria (2017-06-29). Collection method: curation. Allele origin: germline. Study: ENIGMA.
Comment: Variant allele predicted to encode a truncated non-functional protein.

Women's Health and Genetics/Laboratory Corporation of America, LabCorp
Classification: Pathogenic for Hereditary breast ovarian cancer syndrome. Last evaluated: 2026-02-03. Review status: criteria provided, single submitter. Criteria: LabCorp Variant Classification Summary - May 2015. Collection method: clinical testing. Allele origin: germline. Not counted in ClinVar's aggregate classification.
Comment: Variant summary: BRCA2 c.7792G>T (p.Glu2598X) results in a premature termination codon, predicted to cause a truncation of the encoded protein or absence of the protein due to nonsense mediated decay, which are commonly known mechanisms for disease. The variant was absent in 251342 control chromosomes. c.7792G>T has been observed in individual(s) affected with Hereditary Breast And Ovarian Cancer Syndrome (Slavin_2018). To our knowledge, no experimental evidence demonstrating an impact on protein function has been reported. The following publication have been ascertained in the context of this evaluation (PMID: 30339520). ClinVar contains an entry for this variant (Variation ID: 431335). Based on the evidence outlined above, the variant was classified as pathogenic.

Labcorp Genetics (formerly Invitae), Labcorp
Classification: Pathogenic for Hereditary breast ovarian cancer syndrome. Last evaluated: 2025-10-15. Review status: criteria provided, single submitter. Criteria: Invitae Variant Classification Sherloc (09022015). Collection method: clinical testing. Allele origin: germline. Not counted in ClinVar's aggregate classification.
Comment: This sequence change creates a premature translational stop signal (p.Glu2598*) in the BRCA2 gene. It is expected to result in an absent or disrupted protein product. Loss-of-function variants in BRCA2 are known to be pathogenic (PMID: 20104584). This variant is not present in population databases (gnomAD no frequency). This variant has not been reported in the literature in individuals affected with BRCA2-related conditions. ClinVar contains an entry for this variant (Variation ID: 431335). RNA analysis performed to evaluate the impact of this premature translational stop signal on mRNA splicing indicates it does not significantly alter splicing (internal data). For these reasons, this variant has been classified as Pathogenic.

Ambry Genetics
Classification: Pathogenic for Hereditary cancer-predisposing syndrome. Last evaluated: 2025-03-10. Review status: criteria provided, single submitter. Criteria: Ambry Variant Classification Scheme 2023. Collection method: clinical testing. Allele origin: germline. Not counted in ClinVar's aggregate classification.
Comment: The p.E2598* pathogenic mutation (also known as c.7792G>T), located in coding exon 15 of the BRCA2 gene, results from a G to T substitution at nucleotide position 7792. This changes the amino acid from a glutamic acid to a stop codon within coding exon 15. This variant is considered to be rare based on population cohorts in the Genome Aggregation Database (gnomAD). This alteration is expected to result in loss of function by premature protein truncation or nonsense-mediated mRNA decay. As such, this alteration is interpreted as a disease-causing mutation.

GeneDx
Classification: Pathogenic. Last evaluated: 2023-12-20. Review status: criteria provided, single submitter. Criteria: GeneDx Variant Classification Process June 2021. Collection method: clinical testing. Allele origin: germline. Affected: yes. Not counted in ClinVar's aggregate classification.
Comment: Nonsense variant predicted to result in protein truncation or nonsense mediated decay in a gene for which loss of function is a known mechanism of disease; Not observed at significant frequency in large population cohorts (gnomAD); Truncating variants in this gene are considered pathogenic by a well-established clinical consortium and/or database; Has not been previously published as pathogenic or benign to our knowledge; Also known as 8020G>T; This variant is associated with the following publications: (PMID: 31076742, 30787465, 35273153)

Baylor Genetics
Classification: Pathogenic for Familial cancer of breast. Last evaluated: 2023-10-20. Review status: criteria provided, single submitter. Criteria: ACMG Guidelines, 2015. Collection method: clinical testing. Allele origin: unknown. Not counted in ClinVar's aggregate classification.

Mayo Clinic Laboratories, Mayo Clinic
Classification: Pathogenic. Last evaluated: 2023-01-05. Review status: criteria provided, single submitter. Criteria: ACMG Guidelines, 2015. Collection method: clinical testing. Allele origin: germline. Observed: 1 variant allele. Not counted in ClinVar's aggregate classification.
Comment: PP5, PM2, PVS1

Research Molecular Genetics Laboratory, Women's College Hospital, University of Toronto
Classification: Pathogenic for Hereditary breast ovarian cancer syndrome. Last evaluated: 2014-01-31. Review status: no assertion criteria provided. Collection method: research. Allele origin: germline. Affected: yes. Study: The Canadian Open Genetics Repository (COGR). Not counted in ClinVar's aggregate classification.

Literature cited by the submitters: PubMed 30339520 (cited by Women's Health and Genetics/Laboratory Corporation of America, LabCorp); PubMed 20104584 (cited by Labcorp Genetics (formerly Invitae), Labcorp); PubMed 31076742 (cited by Mayo Clinic Laboratories, Mayo Clinic).

NM_000059.4(BRCA2):c.7792G>T (p.Glu2598Ter)

Gene: BRCA2 (BRCA2 DNA repair associated; plus strand). Cytogenetic location: 13q13.1.
Variant type: single nucleotide variant.
Coding change: c.7792G>T on transcript NM_000059.4 (MANE Select); coding-DNA position 7792, G replaced by T.
Protein change: p.Glu2598Ter; replaces glutamic acid 2598 with a stop codon.
Molecular consequence: nonsense.
Genome position (GRCh38, 1-based): chr13:32,357,916, G>T. VCF-style: chr13-32357916-G-T. GRCh37 (hg19) VCF-style: chr13-32932053-G-T.
Other names: p.Glu2598*; short protein forms E2598*.
Identifiers: ClinVar variation 431335 (VCV000431335.19), dbSNP rs1135401919, ClinGen allele CA387746039.